The following is an entry in ClinVar:

ClinVar aggregate classification (germline): Uncertain significance (1 of 4 stars; one submission).

Allele frequency attached by ClinVar (database versions not stated): gnomAD exomes below 0.00001; gnomAD 0.00001; ExAC 0.00002; TOPMed 0.00002.
gnomAD v4.1: 4 of 1,613,980 alleles (0.00025%); highest among the groups gnomAD compares: African/African-American, 0.0053%; no homozygotes.

Submission:

Labcorp Genetics (formerly Invitae), Labcorp
Classification: Uncertain significance. Last evaluated: 2023-12-11. Review status: criteria provided, single submitter. Criteria: Invitae Variant Classification Sherloc (09022015). Collection method: clinical testing. Allele origin: germline.
Comment: This sequence change replaces phenylalanine, which is neutral and non-polar, with leucine, which is neutral and non-polar, at codon 702 of the GLIS3 protein (p.Phe702Leu). This variant is present in population databases (rs767795491, gnomAD 0.02%). This variant has not been reported in the literature in individuals affected with GLIS3-related conditions. ClinVar contains an entry for this variant (Variation ID: 1938735). An algorithm developed to predict the effect of missense changes on protein structure and function (PolyPhen-2) suggests that this variant is likely to be tolerated. In summary, the available evidence is currently insufficient to determine the role of this variant in disease. Therefore, it has been classified as a Variant of Uncertain Significance.

NM_001042413.2(GLIS3):c.2571T>G (p.Phe857Leu)

Gene: GLIS3 (GLIS family zinc finger 3; minus strand). Cytogenetic location: 9p24.2.
Variant type: single nucleotide variant.
Coding change: c.2571T>G on transcript NM_001042413.2 (MANE Select); coding-DNA position 2571, T replaced by G.
Protein change: p.Phe857Leu; replaces phenylalanine 857 with leucine.
Molecular consequence: missense variant.
Genome position (GRCh38, 1-based): chr9:3,829,395, A>C on the plus strand (T>G on the coding strand, the complement: GLIS3 is on the minus strand). VCF-style: chr9-3829395-A-C. GRCh37 (hg19) VCF-style: chr9-3829395-A-C.
Other names: c.2106T>G, p.Phe702Leu (NM_152629.4); short protein forms F857L, F702L.
Identifiers: ClinVar variation 1938735 (VCV001938735.5), dbSNP rs767795491, ClinGen allele CA4967716.